The following is an entry in ClinVar:

NM_001111125.3(IQSEC2):c.4295C>T (p.Pro1432Leu)

Gene: IQSEC2 (IQ motif and Sec7 domain ArfGEF 2; minus strand). Cytogenetic location: Xp11.22.
Variant type: single nucleotide variant.
Coding change: c.4295C>T on transcript NM_001111125.3 (MANE Select); coding-DNA position 4295, C replaced by T.
Protein change: p.Pro1432Leu; replaces proline 1432 with leucine.
Molecular consequence: missense variant. On other transcripts: 3 prime UTR variant (4), intron variant (2).
Genome position (GRCh38, 1-based): chrX:53,234,391, G>A on the plus strand (C>T on the coding strand, the complement: IQSEC2 is on the minus strand). VCF-style: chrX-53234391-G-A. GRCh37 (hg19) VCF-style: chrX-53263573-G-A.
Other names: c.*780C>T (NM_001410736.1, NM_001441093.1, NM_001441094.1 and 1 more transcripts); c.3451+1931C>T (NM_001441092.1); c.2740+1931C>T (NM_001441095.1); short protein forms P1432L.
Identifiers: ClinVar variation 4882391 (VCV004882391.2).

ClinVar aggregate classification (germline): Uncertain significance (1 of 4 stars; one submission).

Conditions:
Intellectual developmental disorder, X-linked 1. Also called: Atkin Flaitz Patil Smith syndrome; MENTAL RETARDATION, X-LINKED 18; MENTAL RETARDATION, X-LINKED 78; Intellectual disability, X-linked 1. Identifiers: Orphanet 777, MedGen C2931498, MONDO:0010656, OMIM 309530.

Submission:

Dasa
Classification: Uncertain significance for Intellectual developmental disorder, X-linked 1. Last evaluated: 2025-08-13. Review status: criteria provided, single submitter. Criteria: DASA Assertion Criteria. Collection method: clinical testing. Allele origin: germline.
Comment: NM_001111125.3(IQSEC2):c.4295C>T (p.Pro1432Leu) is a missense variant that results in the substitution of proline with leucine. This variant is absent from population databases. Computational prediction algorithms are consistent with a benign effect. The currently available literature and clinical evidence are not sufficient to establish a definitive association between this variant and the reported condition. Therefore, this variant is classified as a variant of uncertain significance.